The following is an entry in ClinVar:

NM_001291415.2(KDM6A):c.2038G>A (p.Ala680Thr)

Gene: KDM6A (lysine demethylase 6A; plus strand). Cytogenetic location: Xp11.3.
Variant type: single nucleotide variant.
Coding change: c.2038G>A on transcript NM_001291415.2 (MANE Select); coding-DNA position 2038, G replaced by A.
Protein change: p.Ala680Thr; replaces alanine 680 with threonine.
Molecular consequence: missense variant. On other transcripts: non-coding transcript variant (1).
Genome position (GRCh38, 1-based): chrX:45,063,776, G>A. VCF-style: chrX-45063776-G-A. GRCh37 (hg19) VCF-style: chrX-44923021-G-A.
Other names: c.1882G>A (NM_021140.3); c.1903G>A, p.Ala635Thr (NM_001291416.2); c.1747G>A, p.Ala583Thr (NM_001291417.2); c.1645G>A, p.Ala549Thr (NM_001291418.2); c.994G>A, p.Ala332Thr (NM_001291421.2); c.1882G>A, p.Ala628Thr (NM_021140.4); short protein forms A332T, A583T, A680T, A628T, A549T, A635T.
Identifiers: ClinVar variation 1516265 (VCV001516265.8), dbSNP rs747505929, ClinGen allele CA10392451.
Genomic context (GRCh38, chrX:45,063,776, plus strand): 5'-CCTTACCTGCAGCGAAACGCACTCACTCTACCTCATAACCGCACAAACCTGACCAGCAGC[G>A]CAGAGGAGCCGTGGAAAAACCAACTATCTAACTCCACTCAGGTAATAGGAGGACTAGCTT-3'
Protein context (NP_001278344.1, residues 670-690): PHNRTNLTSS[Ala680Thr]EEPWKNQLSN

ClinVar aggregate classification (germline): Conflicting classifications of pathogenicity. Review status: criteria provided, conflicting classifications (1 of 4 stars). 3 submissions from 3 submitters: Uncertain significance (1); Likely benign (1). 1 of the submissions does not count toward it. Last evaluated 2025-05-22.

Conditions:
Kabuki syndrome 2 (KABUK2). Also called: KDM6A-Related Kabuki Syndrome. Identifiers: Orphanet 2322, MedGen C3275495, MONDO:0010465, OMIM 300867.
KDM6A-related disorder. Also called: KDM6A-related condition.

gnomAD v4.1: 22 of 1,205,381 alleles (0.0018%); highest among the groups gnomAD compares: East Asian, 0.003%; no homozygotes.

Submissions (3):

Labcorp Genetics (formerly Invitae), Labcorp
Classification: Uncertain significance for Kabuki syndrome 2. Last evaluated: 2025-05-22. Review status: criteria provided, single submitter. Criteria: Invitae Variant Classification Sherloc (09022015). Collection method: clinical testing. Allele origin: germline.
Comment: This sequence change replaces alanine, which is neutral and non-polar, with threonine, which is neutral and polar, at codon 628 of the KDM6A protein (p.Ala628Thr). The frequency data for this variant in the population databases is considered unreliable, as metrics indicate poor data quality at this position in the gnomAD database. This variant has not been reported in the literature in individuals affected with KDM6A-related conditions. ClinVar contains an entry for this variant (Variation ID: 1516265). Invitae Evidence Modeling of protein sequence and biophysical properties (such as structural, functional, and spatial information, amino acid conservation, physicochemical variation, residue mobility, and thermodynamic stability) indicates that this missense variant is not expected to disrupt KDM6A protein function with a negative predictive value of 80%. In summary, the available evidence is currently insufficient to determine the role of this variant in disease. Therefore, it has been classified as a Variant of Uncertain Significance.

Fulgent Genetics
Classification: Likely benign for Kabuki syndrome 2. Last evaluated: 2024-01-25. Review status: criteria provided, single submitter. Criteria: ACMG Guidelines, 2015. Collection method: clinical testing. Allele origin: germline.

PreventionGenetics, part of Exact Sciences
Classification: Uncertain significance for KDM6A-related condition. Last evaluated: 2024-09-03. Review status: no assertion criteria provided. Collection method: clinical testing. Allele origin: germline. Not counted in ClinVar's aggregate classification.
Comment: The KDM6A c.1882G>A variant is predicted to result in the amino acid substitution p.Ala628Thr. To our knowledge, this variant has not been reported in the literature. This variant is reported in 0.0077% of alleles in individuals of East Asian descent in gnomAD, including 1 hemizygote. At this time, the clinical significance of this variant is uncertain due to the absence of conclusive functional and genetic evidence.